The following continues an entry in ClinVar:

NM_000256.3(MYBPC3):c.3742_3759dup (p.Gly1248_Cys1253dup)

Gene: MYBPC3. ClinVar aggregate classification (germline): Pathogenic/Likely pathogenic. Pathogenic (12); Likely pathogenic (1).

Submissions 9 to 14 of 14:

Women's Health and Genetics/Laboratory Corporation of America, LabCorp
Classification: Pathogenic for Primary familial hypertrophic cardiomyopathy. Last evaluated: 2021-07-05. Review status: criteria provided, single submitter. Criteria: LabCorp Variant Classification Summary - May 2015. Collection method: clinical testing. Allele origin: germline.
Comment: Variant summary: MYBPC3 c.3742_3759dup18 (p.Gly1248_Cys1253dup) results in an in-frame duplication that is predicted to duplicate six amino acids into the encoded protein. The variant was absent in 250026 control chromosomes. c.3742_3759dup18 has been reported in the literature in multiple individuals affected with Hypertrophic Cardiomyopathy (e.g. Watkins_1995, Ho_2013, Helms_2014). These data indicate that the variant is very likely to be associated with disease. Experimental evidence suggests that the variant has an effect on protein stability (e.g. Brown_2002, Helms_2014).. Six other clinical diagnostic laboratories have submitted clinical-significance assessments for this variant to ClinVar after 2014 without evidence for independent evaluation. All laboratories classified the variant as pathogenic/likely pathogenic. Based on the evidence outlined above, the variant was classified as pathogenic.

ARUP Laboratories, Molecular Genetics and Genomics, ARUP Laboratories
Classification: Pathogenic. Last evaluated: 2021-03-02. Review status: criteria provided, single submitter. Criteria: ARUP Molecular Germline Variant Investigation Process 2021. Collection method: clinical testing. Allele origin: germline.
Comment: The MYBPC3 c.3742_3759dup; p.Gly1248_Cys1253dup variant (rs193922384), also published as ins18bp1163, is reported in the literature in multiple individuals and families affected with hypertrophic cardiomyopathy or dilated cardiomyopathy (Helms 2014, Maron 2001, Kapplinger 2014, Watkins 1995, Zimmerman 2010). The variant was observed to co-segregate with disease in at least one large kindred (Watkins 1995). This variant is absent from general population databases (Exome Variant Server, Genome Aggregation Database), indicating it is not a common polymorphism. This variant duplicates six amino acid residues, leaving the rest of the protein in-frame. Functional studies from multiple groups suggest the variant protein is unstable relative to the wildtype protein (Brown 2002, Glazier 2018, Helms 2014). Based on available information, this variant is considered to be pathogenic. References: Brown LJ et al. Functional and spectroscopic studies of a familial hypertrophic cardiomyopathy mutation in Motif X of cardiac myosin binding protein-C. Eur Biophys J. 2002 Sep;31(5):400-8. Glazier AA et al. HSC70 is a chaperone for wild-type and mutant cardiac myosin binding protein C. JCI Insight. 2018 Jun 7;3(11):e99319. Helms AS et al. Sarcomere mutation-specific expression patterns in human hypertrophic cardiomyopathy. Circ Cardiovasc Genet. 2014 Aug;7(4):434-43. Kapplinger JD et al. Distinguishing hypertrophic cardiomyopathy-associated mutations from background genetic noise. J Cardiovasc Transl Res. 2014 Apr;7(3):347-61. Maron BJ et al. Development of left ventricular hypertrophy in adults in hypertrophic cardiomyopathy caused by cardiac myosin-binding protein C gene mutations. J Am Coll Cardiol. 2001 Aug;38(2):315-21. Watkins H et al. Mutations in the cardiac myosin binding protein-C gene on chromosome 11 cause familial hypertrophic cardiomyopathy. Nat Genet. 1995 Dec;11(4):434-7. Zimmerman RS et al. A novel custom resequencing array for dilated cardiomyopathy. Genet Med. 2010 May;12(5):268-78.

Mayo Clinic Laboratories, Mayo Clinic
Classification: Pathogenic. Last evaluated: 2019-04-08. Review status: criteria provided, single submitter. Criteria: ACMG Guidelines, 2015. Collection method: clinical testing. Allele origin: germline. Observed: 1 variant allele.
Comment: PS3, PS4_moderate, PM2, PM4, PP1_strong,

Stanford Center for Inherited Cardiovascular Disease, Stanford University
Classification: Likely pathogenic. Last evaluated: 2014-10-15. Review status: criteria provided, single submitter. Criteria: ACMG Guidelines, 2015. Collection method: provider interpretation. Allele origin: germline.

Molecular Diagnostic Laboratory for Inherited Cardiovascular Disease, Montreal Heart Institute
Classification: Pathogenic for Primary familial hypertrophic cardiomyopathy. Review status: criteria provided, single submitter. Criteria: ACMG Guidelines, 2015. Collection method: clinical testing. Allele origin: germline. Affected: yes.

OMIM
Classification: Pathogenic for CARDIOMYOPATHY, FAMILIAL HYPERTROPHIC, 4. Last evaluated: 1995-12-01. Review status: no assertion criteria provided. Collection method: literature only. Allele origin: germline. Not counted in ClinVar's aggregate classification.

Literature cited by the submitters: PubMed 7493025 (cited by 8 submitters); PubMed 20474083 (cited by 3 submitters); PubMed 23549607 (cited by 6 submitters); PubMed 24510615 (cited by 7 submitters); PubMed 27532257 (cited by 5 submitters); PubMed 12202917 (cited by 6 submitters); PubMed 25031304 (cited by 7 submitters); PubMed 11499718 (cited by 6 submitters); PubMed 29875314 (cited by Ambry Genetics and All of Us Research Program, National Institutes of Health); PubMed 33495597 (cited by Color Diagnostics, LLC DBA Color Health); PubMed 15519027 (cited by Laboratory for Molecular Medicine, Mass General Brigham Personalized Medicine and Mayo Clinic Laboratories, Mayo Clinic); PubMed 20864638 (cited by Laboratory for Molecular Medicine, Mass General Brigham Personalized Medicine); PubMed 25714468 (cited by Mayo Clinic Laboratories, Mayo Clinic).